The following is an entry in ClinVar:

NM_007294.4(BRCA1):c.4185+16G>C

Gene: BRCA1 (BRCA1 DNA repair associated; minus strand). Cytogenetic location: 17q21.31.
Variant type: single nucleotide variant.
Coding change: c.4185+16G>C on transcript NM_007294.4 (MANE Select); 16 bases into the intron after coding-DNA position 4185, G replaced by C.
Molecular consequence: intron variant.
Genome position (GRCh38, 1-based): chr17:43,090,928, C>G on the plus strand (G>C on the coding strand, the complement: BRCA1 is on the minus strand). VCF-style: chr17-43090928-C-G. GRCh37 (hg19) VCF-style: chr17-41242945-C-G.
Other names: c.4041+16G>C (NM_001407846.1, NM_001407943.1, NM_001407748.1 and 20 more transcripts); c.4044+16G>C (NM_001407726.1, NM_001407850.1, NM_001407752.1 and 29 more transcripts); c.666+16G>C (NM_001408513.1, NM_001408489.1, NM_001408479.1 and 9 more transcripts); c.609+16G>C (NM_001408503.1, NM_001408505.1, NM_001408504.1); c.612+16G>C (NM_001408500.1, NM_001408497.1, NM_001408496.1 and 3 more transcripts); c.3921+16G>C (NM_001407921.1, NM_001407935.1, NM_001407926.1 and 9 more transcripts); c.735+16G>C (NM_001408466.1, NM_001408452.1, NM_001408457.1 and 11 more transcripts); c.3918+16G>C (NM_001407934.1, NM_001407936.1, NM_001407930.1 and 2 more transcripts); and 41 more.
Identifiers: ClinVar variation 415557 (VCV000415557.14), dbSNP rs774646943, ClinGen allele CA16615352.

ClinVar aggregate classification (germline): Likely benign. Review status: criteria provided, multiple submitters, no conflicts (2 of 4 stars). 2 submissions from 2 submitters: Likely benign (2). Last evaluated 2024-04-23.

Conditions:
Hereditary breast ovarian cancer syndrome. Also called: Breast and ovarian cancer; Hereditary breast and ovarian cancer; Hereditary breast and/or ovarian cancer syndrome; BRCA1- and BRCA2-Associated Hereditary Breast and Ovarian Cancer; Hereditary breast and ovarian cancer syndrome (HBOC); Hereditary breast and ovarian cancer syndrome. Identifiers: Orphanet 145, MedGen C0677776, MeSH D061325, MONDO:0003582. Disease mechanism: loss of function.

Allele frequency attached by ClinVar (database versions not stated): TOPMed 0.00001.
gnomAD v4.1: 1 of 1,599,556 alleles (0.000063%); highest among the groups gnomAD compares: Admixed American, 0.0017%; no homozygotes.

Submissions (2):

Women's Health and Genetics/Laboratory Corporation of America, LabCorp
Classification: Likely benign. Last evaluated: 2024-04-23. Review status: criteria provided, single submitter. Criteria: LabCorp Variant Classification Summary - May 2015. Collection method: clinical testing. Allele origin: germline.
Comment: Variant summary: BRCA1 c.4185+16G>C alters a conserved nucleotide located at a position not widely known to affect splicing. Consensus agreement among computation tools predict no significant impact on normal splicing. However, these predictions have yet to be confirmed by functional studies. The variant was absent in 233714 control chromosomes. The available data on variant occurrences in the general population are insufficient to allow any conclusion about variant significance. To our knowledge, no occurrence of c.4185+16G>C in individuals affected with Hereditary Breast And Ovarian Cancer Syndrome and no experimental evidence demonstrating its impact on protein function have been reported. ClinVar contains an entry for this variant (Variation ID: 415557). Based on the evidence outlined above, the variant was classified as likely benign.

Labcorp Genetics (formerly Invitae), Labcorp
Classification: Likely benign for Hereditary breast ovarian cancer syndrome. Last evaluated: 2023-03-26. Review status: criteria provided, single submitter. Criteria: Invitae Variant Classification Sherloc (09022015). Collection method: clinical testing. Allele origin: germline.